The following is an entry in ClinVar:

ClinVar aggregate classification (germline): Uncertain significance (1 of 4 stars; one submission).

Allele frequency attached by ClinVar (database versions not stated): gnomAD exomes below 0.00001.

Submission:

GeneDx
Classification: Uncertain significance. Last evaluated: 2017-02-22. Review status: criteria provided, single submitter. Criteria: GeneDx Variant Classification (06012015). Collection method: clinical testing. Allele origin: germline. Affected: yes.
Comment: The c.1227delT variant in the TINF2 gene has not been reported previously as a pathogenic variant nor as a benign variant, to our knowledge. The c.1227delT variant causes a frameshift starting with codon Leucine 410, changes this amino acid to a Tryptophan residue, and creates a premature Stop codon at position 12 of the new reading frame, denoted p.Leu410TrpfsX12. This variant is predicted to cause loss of normal protein function through protein truncation, however, the lost amino acids do not belong to any known functional domain, and previously reported pathogenic variants in the TINF2 gene are located upstream of this variant (Stenson et al., 2014). In the absence of RNA/functional studies, the actual effect of this sequence change in this individual is unknown. The c.1227delT variant is not observed in large population cohorts (Lek et al., 2016; 1000 Genomes Consortium et al., 2015; Exome Variant Server). We interpret c.1227delT as a variant of uncertain significance.

NM_001099274.3(TINF2):c.1227del (p.Leu410fs)

Gene: TINF2 (TERF1 interacting nuclear factor 2; minus strand). Cytogenetic location: 14q12.
Variant type: Deletion.
Coding change: c.1227del on transcript NM_001099274.3 (MANE Select); coding-DNA position 1227, one base deleted (T; older notation c.1227delT).
Protein change: p.Leu410fs; shifts the reading frame from leucine 410.
Molecular consequence: frameshift variant. On other transcripts: 3 prime UTR variant (1).
Genome position (GRCh38, 1-based): chr14:24,239,926, A deleted on the plus strand (T on the coding strand, the reverse complement: TINF2 is on the minus strand). VCF-style (leftmost placement, unchanged base first): chr14-24239925-GA-G. GRCh37 (hg19) VCF-style: chr14-24709131-GA-G.
Other names: c.1122del, p.Leu375fs (NM_001363668.2); c.*489del (NM_012461.3); short protein forms L375fs, L410fs.
Identifiers: ClinVar variation 423579 (VCV000423579.2), dbSNP rs1064796505, ClinGen allele CA16619854.